The following is an entry in ClinVar:

ClinVar aggregate classification (germline): Uncertain significance (1 of 4 stars; one submission).

Allele frequency attached by ClinVar (database versions not stated): TOPMed below 0.00001; gnomAD 0.00001.
gnomAD v4.1: 1 of 1,614,060 alleles (0.000062%); highest among the groups gnomAD compares: African/African-American, 0.0013%; no homozygotes.

Submission:

Ambry Genetics
Classification: Uncertain significance. Last evaluated: 2024-04-17. Review status: criteria provided, single submitter. Criteria: Ambry Variant Classification Scheme 2023. Collection method: clinical testing. Allele origin: germline.
Comment: The p.E352Q variant (also known as c.1054G>C), located in coding exon 10 of the BUB1 gene, results from a G to C substitution at nucleotide position 1054. The glutamic acid at codon 352 is replaced by glutamine, an amino acid with highly similar properties. This amino acid position is conserved. In addition, this alteration is predicted to be tolerated by in silico analysis. Since supporting evidence is limited at this time, the clinical significance of this alteration remains unclear.

NM_004336.5(BUB1):c.1054G>C (p.Glu352Gln)

Gene: BUB1 (BUB1 mitotic checkpoint serine/threonine kinase; minus strand). Cytogenetic location: 2q13.
Variant type: single nucleotide variant.
Coding change: c.1054G>C on transcript NM_004336.5 (MANE Select); coding-DNA position 1054, G replaced by C.
Protein change: p.Glu352Gln; replaces glutamic acid 352 with glutamine.
Molecular consequence: missense variant.
Genome position (GRCh38, 1-based): chr2:110,661,745, C>G on the plus strand (G>C on the coding strand, the complement: BUB1 is on the minus strand). VCF-style: chr2-110661745-C-G. GRCh37 (hg19) VCF-style: chr2-111419322-C-G.
Other names: c.994G>C, p.Glu332Gln (NM_001278616.2); c.1054G>C, p.Glu352Gln (NM_001278617.2); short protein forms E352Q, E332Q.
Identifiers: ClinVar variation 1778205 (VCV001778205.3), dbSNP rs1222723237, ClinGen allele CA348214510.
Genomic context (GRCh38, chr2:110,661,745, plus strand): 5'-CTGCAGAAATAGCATTTGCCAAAGGAGGAACAACAGGAGGTGCCTCTCTTGGGTTCTTTT[C>G]CATGTTCACTGGTGTCTGCTGATAGGTTACTGGAAGACATGGCGCTCTCAGTTCCTGCTG-3'
Protein context (NP_004327.1, residues 342-362): VTYQQTPVNM[Glu352Gln]KNPREAPPVV